The following is an entry in ClinVar:

ClinVar aggregate classification (germline): Uncertain significance (1 of 4 stars; one submission).

Conditions:
Cardiovascular phenotype. Identifiers: MedGen CN230736.

Submission:

Ambry Genetics
Classification: Uncertain significance for Cardiovascular phenotype. Last evaluated: 2026-02-22. Review status: criteria provided, single submitter. Criteria: Ambry Variant Classification Scheme 2023. Collection method: clinical testing. Allele origin: germline.
Comment: The p.E3023G variant (also known as c.9068A>G), located in coding exon 25 of the TNXB gene, results from an A to G substitution at nucleotide position 9068. The glutamic acid at codon 3023 is replaced by glycine, an amino acid with similar properties. This amino acid position is conserved. In addition, this alteration is predicted to be tolerated by in silico analysis. Based on the available evidence, the clinical significance of this variant remains unclear.

NM_001365276.2(TNXB):c.9074A>G (p.Glu3025Gly)

Gene: TNXB (tenascin XB; minus strand). Cytogenetic location: 6p21.33.
Variant type: single nucleotide variant.
Coding change: c.9074A>G on transcript NM_001365276.2 (MANE Select); coding-DNA position 9074, A replaced by G.
Protein change: p.Glu3025Gly; replaces glutamic acid 3025 with glycine.
Molecular consequence: missense variant.
Genome position (GRCh38, 1-based): chr6:32,052,711, T>C on the plus strand (A>G on the coding strand, the complement: TNXB is on the minus strand). VCF-style: chr6-32052711-T-C. GRCh37 (hg19) VCF-style: chr6-32020488-T-C.
Other names: c.9815A>G, p.Glu3272Gly (NM_001428335.1); c.9068A>G, p.Glu3023Gly (NM_019105.8); short protein forms E3272G, E3023G, E3025G.
Identifiers: ClinVar variation 4826798 (VCV004826798.1).